The following is an entry in ClinVar:

NM_015107.3(PHF8):c.2540C>T (p.Ala847Val)

Gene: PHF8 (PHD finger protein 8; minus strand). Cytogenetic location: Xp11.22.
Variant type: single nucleotide variant.
Coding change: c.2540C>T on transcript NM_015107.3 (MANE Select); coding-DNA position 2540, C replaced by T.
Protein change: p.Ala847Val; replaces alanine 847 with valine.
Molecular consequence: missense variant.
Genome position (GRCh38, 1-based): chrX:53,944,243, G>A on the plus strand (C>T on the coding strand, the complement: PHF8 is on the minus strand). VCF-style: chrX-53944243-G-A. GRCh37 (hg19) VCF-style: chrX-53970676-G-A.
Other names: c.2648C>T, p.Ala883Val (NM_001184896.1); c.2237C>T, p.Ala746Val (NM_001184897.2); c.2489C>T, p.Ala830Val (NM_001184898.2); short protein forms A746V, A830V, A847V, A883V.
Identifiers: ClinVar variation 1804307 (VCV001804307.1), dbSNP rs2519327354, ClinGen allele CA413242401.
Genomic context (GRCh38, chrX:53,944,243, plus strand): 5'-GCTACCCGGGTCCCCTCACGCACAGGACGGTCCTGCTTCGGCAGAGTTGGGGTCACGCGG[G>A]CTGCAAGGGAAACAGGATGAGAAGGTGTCACTAAGACATTTATCCGAAGGCTAGCCATAT-3'
Protein context (NP_055922.1, residues 837-857): NSDDAPWSPK[Ala847Val]RVTPTLPKQD

ClinVar aggregate classification (germline): Uncertain significance (1 of 4 stars; one submission).

Submission:

GeneDx
Classification: Uncertain significance. Last evaluated: 2022-06-13. Review status: criteria provided, single submitter. Criteria: GeneDx Variant Classification Process June 2021. Collection method: clinical testing. Allele origin: germline. Affected: yes.
Comment: Not observed at significant frequency in large population cohorts (gnomAD); In silico analysis supports that this missense variant does not alter protein structure/function; Has not been previously published as pathogenic or benign to our knowledge